The following is an entry in ClinVar:

NM_001267550.2(TTN):c.42421A>G (p.Arg14141Gly)

Gene: TTN (titin; minus strand). Cytogenetic location: 2q31.2.
Variant type: single nucleotide variant.
Coding change: c.42421A>G on transcript NM_001267550.2 (MANE Select); coding-DNA position 42421, A replaced by G.
Protein change: p.Arg14141Gly; replaces arginine 14141 with glycine.
Molecular consequence: missense variant.
Genome position (GRCh38, 1-based): chr2:178,634,078, T>C on the plus strand (A>G on the coding strand, the complement: TTN is on the minus strand). VCF-style: chr2-178634078-T-C. GRCh37 (hg19) VCF-style: chr2-179498805-T-C.
Other names: c.34717A>G, p.Arg11573Gly (NM_133378.4); c.37498A>G, p.Arg12500Gly (NM_001256850.1); c.15226A>G, p.Arg5076Gly (NM_003319.4); c.15601A>G, p.Arg5201Gly (NM_133432.3); c.15802A>G, p.Arg5268Gly (NM_133437.4); short protein forms R14141G, R11573G, R5268G, R5201G, R12500G, R5076G.
Identifiers: ClinVar variation 46958 (VCV000046958.7), dbSNP rs397517567, ClinGen allele CA139634.
Genomic context (GRCh38, chr2:178,634,078, plus strand): 5'-AAGTTGCTGTTTCACCTTCTTTTACTGTTTGATCTTCAAGAGGTGACATGAATTTCAGTC[T>C]TATACCTGAAATGCAAGCATAGATAATGCCTCAGAAACACAATTCACCTTCAGAAAGATT-3'
Protein context (NP_001254479.2, residues 14131-14151): TSARLFVTGI[Arg14141Gly]LKFMSPLEDQ

ClinVar aggregate classification (germline): Uncertain significance. Review status: criteria provided, multiple submitters, no conflicts (2 of 4 stars). 2 submissions from 2 submitters: Uncertain significance (2). Last evaluated 2023-05-09.

Allele frequency attached by ClinVar (database versions not stated): ExAC 0.00001; gnomAD exomes 0.00001; TOPMed below 0.00001.
gnomAD v4.1: 5 of 1,612,590 alleles (0.00031%); highest among the groups gnomAD compares: Non-Finnish European, 0.00034%; no homozygotes.

Submissions (2):

Revvity Omics, Revvity
Classification: Uncertain significance. Last evaluated: 2023-05-09. Review status: criteria provided, single submitter. Criteria: ACMG Guidelines, 2015. Collection method: clinical testing. Allele origin: germline.

Laboratory for Molecular Medicine, Mass General Brigham Personalized Medicine
Classification: Uncertain significance. Last evaluated: 2012-09-07. Review status: criteria provided, single submitter. Criteria: LMM Criteria. Collection method: clinical testing. Allele origin: germline. Observed: 1 variant allele.
Comment: The Arg11573Gly variant in TTN has not been reported in the literature nor previ ously identified by our laboratory. Computational analyses (biochemical amino ac id properties, conservation, AlignGVGD, PolyPhen2, and SIFT) suggest that the Ar g11573Gly variant may impact the protein, though this information is not predict ive enough to determine pathogenicity. Additional information is needed to full y assess the clinical significance of the Arg11573Gly variant.